The following is an entry in ClinVar:

ClinVar aggregate classification (germline): Conflicting classifications of pathogenicity. Review status: criteria provided, conflicting classifications (1 of 4 stars). 3 submissions from 3 submitters: Uncertain significance (1); Likely benign (2). Last evaluated 2026-08-24.

Conditions:
Long QT syndrome (LQTS). Identifiers: MedGen C0023976, MeSH D008133, MONDO:0002442. Disease mechanism: loss of function. Inheritance: Various modes of inheritance.
Cardiovascular phenotype. Identifiers: MedGen CN230736.

Allele frequency attached by ClinVar (database versions not stated): TOPMed 0.00004; gnomAD 0.00001; gnomAD exomes 0.00001.
gnomAD v4.1: 5 of 1,475,832 alleles (0.00034%); highest among the groups gnomAD compares: African/African-American, 0.0029%; no homozygotes.

Submissions (3):

Ambry Genetics
Classification: Uncertain significance for Cardiovascular phenotype. Last evaluated: 2026-08-24. Review status: criteria provided, single submitter. Criteria: Ambry Variant Classification Scheme 2023. Collection method: clinical testing. Allele origin: germline.
Comment: The c.473-5C>T intronic variant results from a C to T substitution 5 nucleotides upstream from coding exon 4 in the KCNH2 gene. This nucleotide position is well conserved in available vertebrate species. In silico splice site analysis predicts that this alteration will not have any significant effect on splicing. Based on the available evidence, the clinical significance of this variant remains unclear.

Labcorp Genetics (formerly Invitae), Labcorp
Classification: Likely benign for Long QT syndrome. Last evaluated: 2025-02-09. Review status: criteria provided, single submitter. Criteria: Invitae Variant Classification Sherloc (09022015). Collection method: clinical testing. Allele origin: germline.

ARUP Laboratories, Molecular Genetics and Genomics, ARUP Laboratories
Classification: Likely benign. Last evaluated: 2022-06-30. Review status: criteria provided, single submitter. Criteria: ARUP Molecular Germline Variant Investigation Process 2021. Collection method: clinical testing. Allele origin: germline.

NM_000238.4(KCNH2):c.473-5C>T

Gene: KCNH2 (potassium voltage-gated channel subfamily H member 2; minus strand). Cytogenetic location: 7q36.1.
Variant type: single nucleotide variant.
Coding change: c.473-5C>T on transcript NM_000238.4 (MANE Select); 5 bases into the intron before coding-DNA position 473, C replaced by T.
Molecular consequence: intron variant.
Genome position (GRCh38, 1-based): chr7:150,958,507, G>A on the plus strand (C>T on the coding strand, the complement: KCNH2 is on the minus strand). VCF-style: chr7-150958507-G-A. GRCh37 (hg19) VCF-style: chr7-150655595-G-A.
Other names: c.185-5C>T (NM_001406753.1, NM_001406756.1); c.473-5C>T (NM_172056.3); c.296-5C>T (NM_001406755.1); c.173-5C>T (NM_001406757.1).
Identifiers: ClinVar variation 518539 (VCV000518539.19), dbSNP rs1181633993, ClinGen allele CA579075495.